The following is an entry in ClinVar:

NM_001363118.2(SLC52A2):c.1208C>T (p.Pro403Leu)

Gene: SLC52A2 (solute carrier family 52 member 2; plus strand). Cytogenetic location: 8q24.3.
Variant type: single nucleotide variant.
Coding change: c.1208C>T on transcript NM_001363118.2 (MANE Select); coding-DNA position 1208, C replaced by T.
Protein change: p.Pro403Leu; replaces proline 403 with leucine.
Molecular consequence: missense variant. On other transcripts: non-coding transcript variant (1).
Genome position (GRCh38, 1-based): chr8:144,360,885, C>T. VCF-style: chr8-144360885-C-T. GRCh37 (hg19) VCF-style: chr8-145584545-C-T.
Other names: c.1208C>T (NM_024531.3); c.1208C>T, p.Pro403Leu (NM_001253815.2, NM_001253816.2, NM_001363120.2 and 2 more transcripts); c.716C>T, p.Pro239Leu (NM_001363122.2); short protein forms P239L, P403L.
Identifiers: ClinVar variation 1010021 (VCV001010021.3), dbSNP rs782516139, ClinGen allele CA4938435.

ClinVar aggregate classification (germline): Uncertain significance. Review status: criteria provided, multiple submitters, no conflicts (2 of 4 stars). 2 submissions from 2 submitters: Uncertain significance (2). Last evaluated 2025-11-05.

Conditions:
Brown-Vialetto-van Laere syndrome 2. Also called: Riboflavin transporter deficiency type 2; SPINOCEREBELLAR ATAXIA WITH BLINDNESS AND DEAFNESS 2. Identifiers: Orphanet 572543, Orphanet 97229, MedGen C3553538, MONDO:0013867, OMIM 614707.
Inborn genetic diseases. Identifiers: MedGen C0950123, MeSH D030342.

Allele frequency attached by ClinVar (database versions not stated): ExAC 0.00001; gnomAD 0.00001; gnomAD exomes 0.00001 and 0.00002; TOPMed 0.00001.
gnomAD v4.1: 12 of 1,612,842 alleles (0.00074%); highest among the groups gnomAD compares: African/African-American, 0.0027%; no homozygotes.

Submissions (2):

Ambry Genetics
Classification: Uncertain significance for Inborn genetic diseases. Last evaluated: 2025-11-05. Review status: criteria provided, single submitter. Criteria: Ambry Variant Classification Scheme 2023. Collection method: clinical testing. Allele origin: germline.

Labcorp Genetics (formerly Invitae), Labcorp
Classification: Uncertain significance for Brown-Vialetto-van Laere syndrome 2. Last evaluated: 2021-08-31. Review status: criteria provided, single submitter. Criteria: Invitae Variant Classification Sherloc (09022015). Collection method: clinical testing. Allele origin: germline.
Comment: This sequence change replaces proline with leucine at codon 403 of the SLC52A2 protein (p.Pro403Leu). The proline residue is moderately conserved and there is a moderate physicochemical difference between proline and leucine. This variant is present in population databases (rs782516139, ExAC 0.002%). This variant has not been reported in the literature in individuals affected with SLC52A2-related conditions. Advanced modeling of protein sequence and biophysical properties (such as structural, functional, and spatial information, amino acid conservation, physicochemical variation, residue mobility, and thermodynamic stability) performed at Invitae indicates that this missense variant is not expected to disrupt SLC52A2 protein function. In summary, the available evidence is currently insufficient to determine the role of this variant in disease. Therefore, it has been classified as a Variant of Uncertain Significance.